The following is an entry in ClinVar:

NM_017849.4(TMEM127):c.568G>T (p.Ala190Ser)

Gene: TMEM127 (transmembrane protein 127; minus strand). Cytogenetic location: 2q11.2.
Variant type: single nucleotide variant.
Coding change: c.568G>T on transcript NM_017849.4 (MANE Select); coding-DNA position 568, G replaced by T.
Protein change: p.Ala190Ser; replaces alanine 190 with serine.
Molecular consequence: missense variant.
Genome position (GRCh38, 1-based): chr2:96,253,957, C>A on the plus strand (G>T on the coding strand, the complement: TMEM127 is on the minus strand). VCF-style: chr2-96253957-C-A. GRCh37 (hg19) VCF-style: chr2-96919695-C-A.
Other names: c.568G>T, p.Ala190Ser (NM_001193304.3); c.316G>T, p.Ala106Ser (NM_001407282.1, NM_001407283.1); short protein forms A190S, A106S.
Identifiers: ClinVar variation 3646909 (VCV003646909.2).

ClinVar aggregate classification (germline): Uncertain significance (1 of 4 stars; one submission).

Conditions:
Hereditary pheochromocytoma and paraganglioma. Also called: Hereditary paragangliomas and pheochromocytomas; Hereditary Paraganglioma-Pheochromocytoma Syndromes; Hereditary pheochromocytoma-paraganglioma. Identifiers: Orphanet 29072, MedGen C4274332, MONDO:0017366.

Submission:

Labcorp Genetics (formerly Invitae), Labcorp
Classification: Uncertain significance for Hereditary pheochromocytoma and paraganglioma. Last evaluated: 2024-03-20. Review status: criteria provided, single submitter. Criteria: Invitae Variant Classification Sherloc (09022015). Collection method: clinical testing. Allele origin: germline.
Comment: This sequence change replaces alanine, which is neutral and non-polar, with serine, which is neutral and polar, at codon 190 of the TMEM127 protein (p.Ala190Ser). This variant is not present in population databases (gnomAD no frequency). This variant has not been reported in the literature in individuals affected with TMEM127-related conditions. An algorithm developed to predict the effect of missense changes on protein structure and function (PolyPhen-2) suggests that this variant is likely to be disruptive. In summary, the available evidence is currently insufficient to determine the role of this variant in disease. Therefore, it has been classified as a Variant of Uncertain Significance.